The following is an entry in ClinVar:

NM_001003694.2(BRPF1):c.292A>G (p.Met98Val)

Gene: BRPF1 (bromodomain and PHD finger containing 1; plus strand). Cytogenetic location: 3p25.3.
Variant type: single nucleotide variant.
Coding change: c.292A>G on transcript NM_001003694.2 (MANE Select); coding-DNA position 292, A replaced by G.
Protein change: p.Met98Val; replaces methionine 98 with valine.
Molecular consequence: missense variant. On other transcripts: non-coding transcript variant (1).
Genome position (GRCh38, 1-based): chr3:9,734,432, A>G. VCF-style: chr3-9734432-A-G. GRCh37 (hg19) VCF-style: chr3-9776116-A-G.
Other names: c.292A>G, p.Met98Val (NM_001319049.2, NM_001319050.2, NM_001410704.1 and 1 more transcripts); short protein forms M98V.
Identifiers: ClinVar variation 2230573 (VCV002230573.3), dbSNP rs1248725460, ClinGen allele CA351679775.
Genomic context (GRCh38, chr3:9,734,432, plus strand): 5'-CCCTCAGAGGTCTCACAGTCACCAGGCCGTGAGGTGATGAGCTATGCACAGGCCCAGCGC[A>G]TGGTGGAGGTGGACTTGCATGGCCGCGTCCACCGCATCAGCATCTTTGACAACCTGGATG-3'
Protein context (NP_001003694.1, residues 88-108): EVMSYAQAQR[Met98Val]VEVDLHGRVH

ClinVar aggregate classification (germline): Uncertain significance. Review status: criteria provided, multiple submitters, no conflicts (2 of 4 stars). 2 submissions from 2 submitters: Uncertain significance (2). Last evaluated 2022-11-25.

Conditions:
Inborn genetic diseases. Identifiers: MedGen C0950123, MeSH D030342.

Allele frequency attached by ClinVar (database versions not stated): gnomAD exomes below 0.00001.
gnomAD v4.1: 3 of 1,614,150 alleles (0.00019%); highest among the groups gnomAD compares: South Asian, 0.0011%; no homozygotes.

Submissions (2):

Blueprint Genetics
Classification: Uncertain significance. Last evaluated: 2022-11-25. Review status: criteria provided, single submitter. Criteria: ACMG Guidelines, 2015. Collection method: clinical testing. Allele origin: germline.

Ambry Genetics
Classification: Uncertain significance for Inborn genetic diseases. Last evaluated: 2021-05-18. Review status: criteria provided, single submitter. Criteria: Ambry Variant Classification Scheme 2023. Collection method: clinical testing. Allele origin: germline.
Comment: The c.292A>G (p.M98V) alteration is located in exon 2 (coding exon 1) of the BRPF1 gene. This alteration results from a A to G substitution at nucleotide position 292, causing the methionine (M) at amino acid position 98 to be replaced by a valine (V). The p.M98V alteration is predicted to be tolerated by in silico analysis. Based on insufficient or conflicting evidence, the clinical significance of this alteration remains unclear.